The following is an entry in ClinVar:

ClinVar aggregate classification (germline): Likely benign. Review status: criteria provided, multiple submitters, no conflicts (2 of 4 stars). 2 submissions from 2 submitters: Likely benign (2). Last evaluated 2022-12-01.

Conditions:
Congenital hyperammonemia, type I. Also called: Carbamoyl phosphate synthetase 1 deficiency; Hyperammonemia due to carbamoyl phosphate synthetase 1 deficiency; CPS 1 deficiency; Carbamyl phosphate synthetase (CPS) deficiency; Carbamoyl-phosphate synthase I deficiency; Carbamoyl phosphate synthetase I deficiency disease. Identifiers: Orphanet 147, MedGen C4082171, MONDO:0009376, OMIM 237300.

Allele frequency attached by ClinVar (database versions not stated): gnomAD 0.00001.
gnomAD v4.1: 1 of 1,611,954 alleles (0.000062%); highest among the groups gnomAD compares: Non-Finnish European, 0.000085%; no homozygotes.

Submissions (2):

CeGaT Center for Human Genetics Tuebingen
Classification: Likely benign. Last evaluated: 2022-12-01. Review status: criteria provided, single submitter. Criteria: CeGaT Center For Human Genetics Tuebingen Variant Classification Criteria Version 2. Collection method: clinical testing. Allele origin: germline. Affected: yes. Observed: 1 variant allele.
Comment: CPS1: BP4, BP7

Labcorp Genetics (formerly Invitae), Labcorp
Classification: Likely benign for Congenital hyperammonemia, type I. Last evaluated: 2020-07-28. Review status: criteria provided, single submitter. Criteria: Invitae Variant Classification Sherloc (09022015). Collection method: clinical testing. Allele origin: germline.

NM_001875.5(CPS1):c.2358C>T (p.Ser786=)

Gene: CPS1 (carbamoyl-phosphate synthase 1; plus strand). Cytogenetic location: 2q34.
Variant type: single nucleotide variant.
Coding change: c.2358C>T on transcript NM_001875.5 (MANE Select); coding-DNA position 2358, C replaced by T.
Protein change: p.Ser786=; no amino-acid change (serine 786 retained).
Molecular consequence: synonymous variant. On other transcripts: non-coding transcript variant (2).
Genome position (GRCh38, 1-based): chr2:210,608,526, C>T. VCF-style: chr2-210608526-C-T. GRCh37 (hg19) VCF-style: chr2-211473250-C-T.
Other names: c.2358C>T, p.Ser786= (NM_001122633.3, NM_001369257.1); c.2391C>T, p.Ser797= (NM_001369256.1).
Identifiers: ClinVar variation 1079481 (VCV001079481.32), dbSNP rs1699003909, ClinGen allele CA431012911.
Genomic context (GRCh38, chr2:210,608,526, plus strand): 5'-GGATTACATGGTCACCAAGATTCCCCGCTGGGATCTTGACCGTTTTCATGGAACATCTAG[C>T]CGAATTGGTAGCTCTATGAAAAGTGTAGGAGAGGTGAGTCCTTGGTTTATTACGCTTTTC-3'
Protein context (NP_001866.2, residues 776-796): WDLDRFHGTS[Ser786=]RIGSSMKSVG